The following is an entry in ClinVar:

ClinVar aggregate classification (germline): Pathogenic (1 of 4 stars; one submission).

Conditions:
Multiple congenital exostosis (EXT). Also called: Hereditary multiple exostoses; Hereditary multiple exostosis; MULTIPLE CARTILAGINOUS EXOSTOSES; Multiple exostoses; Multiple osteochondromas; Hereditary multiple osteochondromas. Identifiers: Orphanet 321, MedGen C0015306, MONDO:0005508, HP:0002762.

Submission:

Labcorp Genetics (formerly Invitae), Labcorp
Classification: Pathogenic for Multiple congenital exostosis. Last evaluated: 2024-01-05. Review status: criteria provided, single submitter. Criteria: Invitae Variant Classification Sherloc (09022015). Collection method: clinical testing. Allele origin: germline.
Comment: This sequence change creates a premature translational stop signal (p.Ser548Alafs*73) in the EXT1 gene. It is expected to result in an absent or disrupted protein product. Loss-of-function variants in EXT1 are known to be pathogenic (PMID: 10679937, 11391482, 19810120). This variant is not present in population databases (gnomAD no frequency). This premature translational stop signal has been observed in individual(s) with hereditary multiple osteochondromas (PMID: 11432960, 30806661). For these reasons, this variant has been classified as Pathogenic.

Literature cited by the submitters: PubMed 10679937; PubMed 11391482; PubMed 19810120; PubMed 11432960; PubMed 30806661.

NM_000127.3(EXT1):c.1642del (p.Ser548fs)

Gene: EXT1 (exostosin glycosyltransferase 1; minus strand). Cytogenetic location: 8q24.11.
Variant type: Deletion.
Coding change: c.1642del on transcript NM_000127.3 (MANE Select); coding-DNA position 1642, one base deleted (A; older notation c.1642delA).
Protein change: p.Ser548fs; shifts the reading frame from serine 548.
Molecular consequence: frameshift variant.
Genome position (GRCh38, 1-based): chr8:117,812,952, T deleted on the plus strand (A on the coding strand, the reverse complement: EXT1 is on the minus strand). VCF-style (leftmost placement, unchanged base first): chr8-117812951-CT-C. GRCh37 (hg19) VCF-style: chr8-118825190-CT-C.
Other names: short protein forms S548fs.
Identifiers: ClinVar variation 2735200 (VCV002735200.3), dbSNP rs2488096787, ClinGen allele CA2695210125.